The following is an entry in ClinVar:

NM_170754.4(TNS2):c.3352A>G (p.Thr1118Ala)

Gene: TNS2 (tensin 2; plus strand). Cytogenetic location: 12q13.13.
Variant type: single nucleotide variant.
Coding change: c.3352A>G on transcript NM_170754.4 (MANE Select); coding-DNA position 3352, A replaced by G.
Protein change: p.Thr1118Ala; replaces threonine 1118 with alanine.
Molecular consequence: missense variant.
Genome position (GRCh38, 1-based): chr12:53,061,258, A>G. VCF-style: chr12-53061258-A-G. GRCh37 (hg19) VCF-style: chr12-53455042-A-G.
Other names: c.3352A>G, p.Thr1118Ala (NM_001416202.1); c.3310A>G, p.Thr1104Ala (NM_001416203.1); c.3379A>G, p.Thr1127Ala (NM_001416204.1); c.3283A>G, p.Thr1095Ala (NM_015319.3); c.2980A>G, p.Thr994Ala (NM_198316.2); short protein forms T1118A, T1128A, T994A, T1095A, T1104A, T1127A.
Identifiers: ClinVar variation 1631910 (VCV001631910.34), dbSNP rs117152710, ClinGen allele CA6592820.
Genomic context (GRCh38, chr12:53,061,258, plus strand): 5'-GCCAGAGGCATCAGTCACCATGTCACCTTCGCACCTCTGCTCTCAGATAATGTCCCCCAA[A>G]CCCCAGGTATAAAGGCCTTGAGGGGGTTGGTGCCACCTTGAGAGAACCCTTTCTCCTGGG-3'
Protein context (NP_736610.2, residues 1108-1128): APLLSDNVPQ[Thr1118Ala]PEPPTQESQS

ClinVar aggregate classification (germline): Conflicting classifications of pathogenicity. Review status: criteria provided, conflicting classifications (1 of 4 stars). 4 submissions from 4 submitters: Uncertain significance (1); Benign (2). 1 of the submissions does not count toward it. Last evaluated 2026-01-20.

Conditions:
TNS2-related disorder. Also called: TNS2-related condition.

Allele frequency attached by ClinVar (database versions not stated): 1000 Genomes Project 0.00260; 1000 Genomes Project 30x 0.00281; gnomAD exomes 0.00603 and 0.00987; TOPMed 0.00615; gnomAD 0.00650 and 0.00706; ExAC 0.00660; ESP Exome Variant Server 0.00684.

Submissions (4):

Labcorp Genetics (formerly Invitae), Labcorp
Classification: Benign. Last evaluated: 2026-01-20. Review status: criteria provided, single submitter. Criteria: Invitae Variant Classification Sherloc (09022015). Collection method: clinical testing. Allele origin: germline.

CeGaT Center for Human Genetics Tuebingen
Classification: Benign. Last evaluated: 2025-04-01. Review status: criteria provided, single submitter. Criteria: CeGaT Center For Human Genetics Tuebingen Variant Classification Criteria Version 2. Collection method: clinical testing. Allele origin: germline. Affected: yes. Observed: 4 variant alleles.
Comment: TNS2: BP4, BS1, BS2

AiLife Diagnostics
Classification: Uncertain significance. Last evaluated: 2020-05-12. Review status: criteria provided, single submitter. Criteria: ACMG Guidelines, 2015. Collection method: clinical testing. Allele origin: germline. Affected: yes. Observed: 1 variant allele.

PreventionGenetics, part of Exact Sciences
Classification: Likely benign for TNS2-related condition. Last evaluated: 2020-09-25. Review status: no assertion criteria provided. Collection method: clinical testing. Allele origin: germline. Not counted in ClinVar's aggregate classification.
Comment: This variant is classified as likely benign based on ACMG/AMP sequence variant interpretation guidelines (Richards et al. 2015 PMID: 25741868, with internal and published modifications).

Literature cited by the submitters: PubMed 29773874 (cited by AiLife Diagnostics).